The following is an entry in ClinVar:

NM_001197104.2(KMT2A):c.883_886del (p.Lys295fs)

Gene: KMT2A (lysine methyltransferase 2A; plus strand). Cytogenetic location: 11q23.3.
Variant type: Microsatellite.
Coding change: c.883_886del on transcript NM_001197104.2 (MANE Select); coding-DNA positions 883 to 886, 4 bases deleted (AAGG; older notation c.883_886delAAGG).
Protein change: p.Lys295fs; shifts the reading frame from lysine 295.
Molecular consequence: frameshift variant.
Genome position (GRCh38, 1-based): chr11:118,472,042-118,472,045, AAGG deleted; deleting any 4 consecutive bases within chr11:118,472,035-118,472,045 gives the same sequence; the c. name uses the placement nearest the transcript's 3' end. VCF-style (leftmost placement, unchanged base first): chr11-118472034-TAGGA-T. GRCh37 (hg19) VCF-style: chr11-118342749-TAGGA-T.
Other names: c.883_886del, p.Lys295fs (NM_005933.4); short protein forms K295fs.
Identifiers: ClinVar variation 996139 (VCV000996139.3), dbSNP rs1949951871, ClinGen allele CA2003515709.
Genomic context (GRCh38, chr11:118,472,034, plus strand): 5'-AATTAAGAGCAGGTAAACTCTCTCCTCTCAAGTCTAAGTTTAAGACAGGGAAGCTTCAAA[TAGGA>T]AGGAAGGGGGTACAAATTGTACGACGGAGAGGAAGGCCTCCATCAACAGAAAGGATAAAG-3'

ClinVar aggregate classification (germline): Likely pathogenic (1 of 4 stars; one submission).

Conditions:
Wiedemann-Steiner syndrome (WDSTS). Also called: Growth deficiency and mental retardation with facial dysmorphism. Identifiers: Orphanet 319182, MedGen C1854630, MONDO:0011518, OMIM 605130.

Submission:

Center for Human Genetics and Genomic Medicine, Uniklinik Rwth Aachen
Classification: Likely pathogenic for Wiedemann-Steiner syndrome. Last evaluated: 2021-02-09. Review status: criteria provided, single submitter. Criteria: ACMG Guidelines, 2015. Collection method: clinical testing. Allele origin: unknown. Inheritance: Autosomal dominant inheritance. Affected: yes. Observed: 1 variant allele, 1 heterozygote.
Comment: The detected change has not yet been reported in the relevant databases (dbSNP151, gnomAD, ClinVar) or the literature. The variant leads to a frame shift and therefore, in all probability, to a loss of function of the corresponding protein. Mutations associated with a loss of function are known to be the cause of the disease in Wiedemann-Steiner syndrome (Jones et al., 2012). At the present time, the variant is to be regarded as a â€œlikely pathogenic variantâ€ (ACMG criteria).